The following is an entry in ClinVar:

NM_207361.6(FREM2):c.*1379T>C

Gene: FREM2 (FRAS1 related extracellular matrix 2; plus strand). Cytogenetic location: 13q13.3.
Variant type: single nucleotide variant.
Coding change: c.*1379T>C on transcript NM_207361.6 (MANE Select); 1379 bases downstream of the stop codon, T replaced by C.
Molecular consequence: 3 prime UTR variant.
Genome position (GRCh38, 1-based): chr13:38,882,166, T>C. VCF-style: chr13-38882166-T-C. GRCh37 (hg19) VCF-style: chr13-39456303-T-C.
Identifiers: ClinVar variation 882858 (VCV000882858.4), dbSNP rs150619967, ClinGen allele CA248323813.

ClinVar aggregate classification (germline): Benign (1 of 4 stars; one submission).

Conditions:
Fraser syndrome 2 (FRASRS2). Identifiers: MedGen C4540036, MONDO:0054738, OMIM 617666.

Allele frequency attached by ClinVar (database versions not stated): 1000 Genomes Project 30x 0.00515; gnomAD 0.00533 and 0.00573; 1000 Genomes Project 0.00559; TOPMed 0.00585.

Submission:

Illumina Laboratory Services, Illumina
Classification: Benign for Fraser syndrome 2. Last evaluated: 2017-04-27. Review status: criteria provided, single submitter. Criteria: ICSL Variant Classification Criteria 13 December 2019. Collection method: clinical testing. Allele origin: germline.
Comment: This variant was observed as part of a predisposition screen in an ostensibly healthy population. A literature search was performed for the gene, cDNA change, and amino acid change (where applicable). No publications were found based on this search. Allele frequency data from public databases was too high to be consistent with this variant causing disease. Therefore, this variant is classified as benign.